The following is an entry in ClinVar:

ClinVar aggregate classification (germline): Benign/Likely benign. Review status: criteria provided, multiple submitters, no conflicts (2 of 4 stars). 3 submissions from 3 submitters: Benign (1); Likely benign (2). Last evaluated 2026-04-15.

Conditions:
Hereditary cancer-predisposing syndrome. Also called: Neoplastic Syndromes, Hereditary; Tumor predisposition; Hereditary Cancer Syndrome; Hereditary neoplastic syndrome. Identifiers: Orphanet 140162, MedGen C0027672, MeSH D009386, MONDO:0015356.
DICER1-related tumor predisposition. Also called: DICER1-related pleuropulmonary blastoma cancer predisposition syndrome; DICER1 syndrome. Identifiers: Orphanet 284343, MedGen C3839822, MONDO:0100216.

Submissions (3):

Myriad Genetics, Inc.
Classification: Benign for DICER1-related tumor predisposition. Last evaluated: 2026-04-15. Review status: criteria provided, single submitter. Criteria: Myriad Autosomal Dominant, Autosomal Recessive and X-Linked Classification Criteria (2023). Collection method: clinical testing. Allele origin: unknown.
Comment: This variant is considered benign. This variant is a silent/synonymous amino acid change and it is not expected to impact splicing.

Labcorp Genetics (formerly Invitae), Labcorp
Classification: Likely benign for DICER1-related tumor predisposition. Last evaluated: 2022-08-19. Review status: criteria provided, single submitter. Criteria: Invitae Variant Classification Sherloc (09022015). Collection method: clinical testing. Allele origin: germline.

Ambry Genetics
Classification: Likely benign for Hereditary cancer-predisposing syndrome. Last evaluated: 2021-07-25. Review status: criteria provided, single submitter. Criteria: Ambry Variant Classification Scheme 2023. Collection method: clinical testing. Allele origin: germline.

NM_177438.3(DICER1):c.1719A>G (p.Glu573=)

Gene: DICER1 (dicer 1, ribonuclease III; minus strand). Cytogenetic location: 14q32.13.
Variant type: single nucleotide variant.
Coding change: c.1719A>G on transcript NM_177438.3 (MANE Select); coding-DNA position 1719, A replaced by G.
Protein change: p.Glu573=; no amino-acid change (glutamic acid 573 retained).
Molecular consequence: synonymous variant.
Genome position (GRCh38, 1-based): chr14:95,116,486, T>C on the plus strand (A>G on the coding strand, the complement: DICER1 is on the minus strand). VCF-style: chr14-95116486-T-C. GRCh37 (hg19) VCF-style: chr14-95582823-T-C.
Other names: c.1719A>G, p.Glu573= (NM_001195573.1, NM_001271282.3, NM_001291628.2 and 1 more transcripts).
Identifiers: ClinVar variation 1554276 (VCV001554276.12), dbSNP rs2140123201, ClinGen allele CA487845088.
Genomic context (GRCh38, chr14:95,116,486, plus strand): 5'-CGGCACATGTTAATATGTTGATCTTACCTTTTCAATAGCTTTGTAGGTTTTAAGGTCTTC[T>C]TCAAAACTTTTTATTTTGTCTGTATCCGCTAACATTATATAATTAGAGATGGGTGCCCTT-3'
Protein context (NP_803187.1, residues 563-583): LADTDKIKSF[Glu573=]EDLKTYKAIE